The following is an entry in ClinVar:

ClinVar aggregate classification (germline): Uncertain significance (1 of 4 stars; one submission).

Conditions:
Multiple endocrine neoplasia, type 1 (MEN1). Also called: MEN I; WERMER SYNDROME; Endocrine adenomatosis multiple; MEN 1; MEA I. Identifiers: Orphanet 652, MedGen C0025267, MeSH D018761, MONDO:0007540, OMIM 131100.

Submission:

Labcorp Genetics (formerly Invitae), Labcorp
Classification: Uncertain significance for Multiple endocrine neoplasia, type 1. Last evaluated: 2020-07-30. Review status: criteria provided, single submitter. Criteria: Invitae Variant Classification Sherloc (09022015). Collection method: clinical testing. Allele origin: germline.
Comment: This sequence change replaces glycine with valine at codon 149 of the MEN1 protein (p.Gly149Val). The glycine residue is highly conserved and there is a moderate physicochemical difference between glycine and valine. This variant is not present in population databases (ExAC no frequency). This variant has not been reported in the literature in individuals with MEN1-related conditions. Algorithms developed to predict the effect of missense changes on protein structure and function (SIFT, PolyPhen-2, Align-GVGD) all suggest that this variant is likely to be disruptive, but these predictions have not been confirmed by published functional studies and their clinical significance is uncertain. Algorithms developed to predict the effect of sequence changes on RNA splicing suggest that this variant may disrupt the consensus splice site, but this prediction has not been confirmed by published transcriptional studies. In summary, the available evidence is currently insufficient to determine the role of this variant in disease. Therefore, it has been classified as a Variant of Uncertain Significance.

NM_001370259.2(MEN1):c.446G>T (p.Gly149Val)

Gene: MEN1 (menin 1; minus strand). Cytogenetic location: 11q13.1.
Variant type: single nucleotide variant.
Coding change: c.446G>T on transcript NM_001370259.2 (MANE Select); coding-DNA position 446, G replaced by T.
Protein change: p.Gly149Val; replaces glycine 149 with valine.
Molecular consequence: missense variant.
Genome position (GRCh38, 1-based): chr11:64,808,099, C>A on the plus strand (G>T on the coding strand, the complement: MEN1 is on the minus strand). VCF-style: chr11-64808099-C-A. GRCh37 (hg19) VCF-style: chr11-64575571-C-A.
Other names: c.461G>T, p.Gly154Val (NM_000244.4, NM_130800.3, NM_130801.3 and 3 more transcripts); c.446G>T, p.Gly149Val (NM_001370251.2, NM_001370260.2, NM_001370261.2 and 3 more transcripts); short protein forms G149V, G154V.
Identifiers: ClinVar variation 1056954 (VCV001056954.9), dbSNP rs1444210255, ClinGen allele CA381186343.